The following is an entry in ClinVar:

NM_002087.4(GRN):c.1570G>C (p.Gly524Arg)

Gene: GRN (granulin precursor; plus strand). Cytogenetic location: 17q21.31.
Variant type: single nucleotide variant.
Coding change: c.1570G>C on transcript NM_002087.4 (MANE Select); coding-DNA position 1570, G replaced by C.
Protein change: p.Gly524Arg; replaces glycine 524 with arginine.
Molecular consequence: missense variant.
Genome position (GRCh38, 1-based): chr17:44,352,497, G>C. VCF-style: chr17-44352497-G-C. GRCh37 (hg19) VCF-style: chr17-42429865-G-C.
Other names: short protein forms G524R.
Identifiers: ClinVar variation 2923224 (VCV002923224.3), dbSNP rs2510058388, ClinGen allele CA399770539.

ClinVar aggregate classification (germline): Uncertain significance (1 of 4 stars; one submission).

Conditions:
GRN-related frontotemporal lobar degeneration with Tdp43 inclusions (FTD2). Also called: GRN Frontotemporal Dementia; FRONTOTEMPORAL DEMENTIA WITH TDP43 INCLUSIONS, GRN-RELATED; DEMENTIA, HEREDITARY DYSPHASIC DISINHIBITION; FRONTOTEMPORAL LOBAR DEGENERATION WITH UBIQUITIN-POSITIVE INCLUSIONS; FTLD-TDP, GRN-RELATED. Identifiers: Orphanet 100070, Orphanet 282, MedGen C1843792, MONDO:0011842, OMIM 607485. Disease mechanism: loss of function.
Neuronal ceroid lipofuscinosis 11. Also called: GRN-Related Neuronal Ceroid-Lipofuscinosis. Identifiers: Orphanet 314629, Orphanet 79262, MedGen C3539123, MONDO:0013866, OMIM 614706.

Submission:

Labcorp Genetics (formerly Invitae), Labcorp
Classification: Uncertain significance for Neuronal ceroid lipofuscinosis 11; GRN-related frontotemporal lobar degeneration with Tdp43 inclusions. Last evaluated: 2023-09-30. Review status: criteria provided, single submitter. Criteria: Invitae Variant Classification Sherloc (09022015). Collection method: clinical testing. Allele origin: germline.
Comment: This sequence change replaces glycine, which is neutral and non-polar, with arginine, which is basic and polar, at codon 524 of the GRN protein (p.Gly524Arg). This variant is not present in population databases (gnomAD no frequency). This variant has not been reported in the literature in individuals affected with GRN-related conditions. Advanced modeling of protein sequence and biophysical properties (such as structural, functional, and spatial information, amino acid conservation, physicochemical variation, residue mobility, and thermodynamic stability) performed at Invitae indicates that this missense variant is not expected to disrupt GRN protein function. In summary, the available evidence is currently insufficient to determine the role of this variant in disease. Therefore, it has been classified as a Variant of Uncertain Significance.